The following is an entry in ClinVar:

ClinVar aggregate classification (germline): Conflicting classifications of pathogenicity. Review status: criteria provided, conflicting classifications (1 of 4 stars). 2 submissions from 2 submitters: Uncertain significance (1); Likely benign (1). Last evaluated 2026-06-01.

Conditions:
Inborn genetic diseases. Identifiers: MedGen C0950123, MeSH D030342.

Allele frequency attached by ClinVar (database versions not stated): gnomAD exomes 0.00001; ExAC 0.00002; gnomAD 0.00003; TOPMed 0.00005.

Submissions (2):

CeGaT Center for Human Genetics Tuebingen
Classification: Likely benign. Last evaluated: 2026-06-01. Review status: criteria provided, single submitter. Criteria: CeGaT Center For Human Genetics Tuebingen Variant Classification Criteria Version 2. Collection method: clinical testing. Allele origin: germline. Affected: yes. Observed: 1 variant allele.
Comment: SMARCC2: BP4

Ambry Genetics
Classification: Uncertain significance for Inborn genetic diseases. Last evaluated: 2025-05-13. Review status: criteria provided, single submitter. Criteria: Ambry Variant Classification Scheme 2023. Collection method: clinical testing. Allele origin: germline.

NM_001330288.2(SMARCC2):c.2420G>A (p.Arg807Gln)

Gene: SMARCC2 (SWI/SNF related BAF chromatin remodeling complex subunit C2; minus strand). Cytogenetic location: 12q13.2.
Variant type: single nucleotide variant.
Coding change: c.2420G>A on transcript NM_001330288.2 (MANE Select); coding-DNA position 2420, G replaced by A.
Protein change: p.Arg807Gln; replaces arginine 807 with glutamine.
Molecular consequence: missense variant.
Genome position (GRCh38, 1-based): chr12:56,169,904, C>T on the plus strand (G>A on the coding strand, the complement: SMARCC2 is on the minus strand). VCF-style: chr12-56169904-C-T. GRCh37 (hg19) VCF-style: chr12-56563688-C-T.
Other names: c.2420G>A, p.Arg807Gln (NM_001130420.3, NM_139067.4); c.2327G>A, p.Arg776Gln (NM_003075.5); short protein forms R807Q, R776Q.
Identifiers: ClinVar variation 2352964 (VCV002352964.5), dbSNP rs370433442, ClinGen allele CA6625783.